The following is an entry in ClinVar:

ClinVar aggregate classification (germline): Likely benign. Review status: criteria provided, multiple submitters, no conflicts (2 of 4 stars). 3 submissions from 3 submitters: Likely benign (3). Last evaluated 2025-04-24.

Conditions:
Ornithine carbamoyltransferase deficiency (OTCD). Also called: Ornithine Carbamoyltransferase Deficiency Disease; OTC DEFICIENCY; ORNITHINE TRANSCARBAMYLASE DEFICIENCY; ORNITHINE TRANSCARBAMYLASE DEFICIENCY, HYPERAMMONEMIA DUE TO. Identifiers: Orphanet 664, MedGen C0268542, MONDO:0010703, OMIM 311250.

gnomAD v4.1: 3 of 1,204,447 alleles (0.00025%); highest among the groups gnomAD compares: Non-Finnish European, 0.00034%; no homozygotes.

Submissions (3):

Labcorp Genetics (formerly Invitae), Labcorp
Classification: Likely benign for Ornithine carbamoyltransferase deficiency. Last evaluated: 2025-04-24. Review status: criteria provided, single submitter. Criteria: Invitae Variant Classification Sherloc (09022015). Collection method: clinical testing. Allele origin: germline.

Color Diagnostics, LLC DBA Color Health
Classification: Likely benign for Ornithine carbamoyltransferase deficiency. Last evaluated: 2022-04-21. Review status: criteria provided, single submitter. Criteria: ACMG Guidelines, 2015. Collection method: clinical testing. Allele origin: germline.

GeneDx
Classification: Likely benign. Last evaluated: 2016-03-28. Review status: criteria provided, single submitter. Criteria: GeneDx Variant Classification (06012015). Collection method: clinical testing. Allele origin: germline. Affected: yes.
Comment: This variant is considered likely benign or benign based on one or more of the following criteria: it is a conservative change, it occurs at a poorly conserved position in the protein, it is predicted to be benign by multiple in silico algorithms, and/or has population frequency not consistent with disease.

NM_000531.6(OTC):c.114G>A (p.Lys38=)

Gene: OTC (ornithine transcarbamylase; plus strand). Cytogenetic location: Xp11.4.
Variant type: single nucleotide variant.
Coding change: c.114G>A on transcript NM_000531.6 (MANE Select); coding-DNA position 114, G replaced by A.
Protein change: p.Lys38=; no amino-acid change (lysine 38 retained).
Molecular consequence: synonymous variant.
Genome position (GRCh38, 1-based): chrX:38,367,327, G>A. VCF-style: chrX-38367327-G-A. GRCh37 (hg19) VCF-style: chrX-38226580-G-A.
Identifiers: ClinVar variation 384579 (VCV000384579.10), dbSNP rs1057522000, ClinGen allele CA16608856.